The following is an entry in ClinVar:

NM_001346754.2(PIGW):c.1238T>G (p.Leu413Arg)

Genes: MYO19 (myosin XIX; minus strand), PIGW (phosphatidylinositol glycan anchor biosynthesis class W; plus strand). Cytogenetic location: 17q12.
Variant type: single nucleotide variant.
Coding change: c.1238T>G on transcript NM_001346754.2 (MANE Select); coding-DNA position 1238, T replaced by G.
Protein change: p.Leu413Arg; replaces leucine 413 with arginine.
Molecular consequence: missense variant.
Genome position (GRCh38, 1-based): chr17:36,538,339, T>G. VCF-style: chr17-36538339-T-G. GRCh37 (hg19) VCF-style: chr17-34894188-T-G.
Other names: c.1238T>G, p.Leu413Arg (NM_001346755.2, NM_178517.5); short protein forms L413R.
Identifiers: ClinVar variation 2095276 (VCV002095276.4), dbSNP rs2142621502, ClinGen allele CA399164545.
Genomic context (GRCh38, chr17:36,538,339, plus strand): 5'-TAATTTTGAGTTTTGCCAAATTTCTAATTAAAGGAGCTCTAGTACCATGTTCTTGGAAAC[T>G]TATCCAGTCACCTGTTACAAATAAAAAGCATTCAGAATCTCTAGTCCCTGAAGCCGAAAG-3'
Protein context (NP_001333683.1, residues 403-423): KGALVPCSWK[Leu413Arg]IQSPVTNKKH

ClinVar aggregate classification (germline): Uncertain significance (1 of 4 stars; one submission).

Conditions:
Hyperphosphatasia with intellectual disability syndrome 5 (GPIBD11). Also called: GLYCOSYLPHOSPHATIDYLINOSITOL BIOSYNTHESIS DEFECT 11. Identifiers: Orphanet 247262, MedGen C4014958, MONDO:0014457, OMIM 616025.

Submission:

Labcorp Genetics (formerly Invitae), Labcorp
Classification: Uncertain significance for Hyperphosphatasia with intellectual disability syndrome 5. Last evaluated: 2022-02-09. Review status: criteria provided, single submitter. Criteria: Invitae Variant Classification Sherloc (09022015). Collection method: clinical testing. Allele origin: germline.
Comment: In summary, the available evidence is currently insufficient to determine the role of this variant in disease. Therefore, it has been classified as a Variant of Uncertain Significance. Algorithms developed to predict the effect of sequence changes on RNA splicing suggest that this variant may create or strengthen a splice site. Algorithms developed to predict the effect of missense changes on protein structure and function are either unavailable or do not agree on the potential impact of this missense change (SIFT: "Tolerated"; PolyPhen-2: "Possibly Damaging"; Align-GVGD: "Class C0"). This variant has not been reported in the literature in individuals affected with PIGW-related conditions. This variant is not present in population databases (gnomAD no frequency). This sequence change replaces leucine, which is neutral and non-polar, with arginine, which is basic and polar, at codon 413 of the PIGW protein (p.Leu413Arg).